The following is an entry in ClinVar:

NM_000285.4(PEPD):c.351C>A (p.Phe117Leu)

Gene: PEPD (peptidase D; minus strand). Cytogenetic location: 19q13.11.
Variant type: single nucleotide variant.
Coding change: c.351C>A on transcript NM_000285.4 (MANE Select); coding-DNA position 351, C replaced by A.
Protein change: p.Phe117Leu; replaces phenylalanine 117 with leucine.
Molecular consequence: missense variant. On other transcripts: intron variant (1).
Genome position (GRCh38, 1-based): chr19:33,500,980, G>T on the plus strand (C>A on the coding strand, the complement: PEPD is on the minus strand). VCF-style: chr19-33500980-G-T. GRCh37 (hg19) VCF-style: chr19-33991886-G-T.
Other names: c.351C>A, p.Phe117Leu (NM_001166056.2); c.202-7643C>A (NM_001166057.2); short protein forms F117L.
Identifiers: ClinVar variation 1901921 (VCV001901921.2), dbSNP rs374573875, ClinGen allele CA9364400.

ClinVar aggregate classification (germline): Uncertain significance (1 of 4 stars; one submission).

Allele frequency attached by ClinVar (database versions not stated): TOPMed 0.00001; gnomAD exomes 0.00002; ESP Exome Variant Server 0.00008.
gnomAD v4.1: 38 of 1,603,932 alleles (0.0024%); highest among the groups gnomAD compares: Non-Finnish European, 0.0023%; no homozygotes.

Submission:

Labcorp Genetics (formerly Invitae), Labcorp
Classification: Uncertain significance. Last evaluated: 2022-05-27. Review status: criteria provided, single submitter. Criteria: Invitae Variant Classification Sherloc (09022015). Collection method: clinical testing. Allele origin: germline.
Comment: This sequence change replaces phenylalanine, which is neutral and non-polar, with leucine, which is neutral and non-polar, at codon 117 of the PEPD protein (p.Phe117Leu). This variant is present in population databases (rs374573875, gnomAD 0.004%). This variant has not been reported in the literature in individuals affected with PEPD-related conditions. Algorithms developed to predict the effect of missense changes on protein structure and function (SIFT, PolyPhen-2, Align-GVGD) all suggest that this variant is likely to be tolerated. In summary, the available evidence is currently insufficient to determine the role of this variant in disease. Therefore, it has been classified as a Variant of Uncertain Significance.